The following is an entry in ClinVar:

NM_000143.4(FH):c.944_945del (p.Leu315fs)

Gene: FH (fumarate hydratase; minus strand). Cytogenetic location: 1q43.
Variant type: Deletion.
Coding change: c.944_945del on transcript NM_000143.4 (MANE Select); coding-DNA positions 944 to 945, 2 bases deleted (TG; older notation c.944_945delTG).
Protein change: p.Leu315fs; shifts the reading frame from leucine 315.
Molecular consequence: frameshift variant.
Genome position (GRCh38, 1-based): chr1:241,504,205-241,504,206, CA deleted on the plus strand (TG on the coding strand, the reverse complement: FH is on the minus strand). VCF-style (leftmost placement, unchanged base first): chr1-241504204-CCA-C. GRCh37 (hg19) VCF-style: chr1-241667504-CCA-C.
Other names: c.944_945delTG (NM_000143.3); short protein forms L315fs.
Identifiers: ClinVar variation 280929 (VCV000280929.2), dbSNP rs886042044, ClinGen allele CA10602767.
Genomic context (GRCh38, chr1:241,504,204, plus strand): 5'-TCAGACTGCAGGCAGTAGTGTTCATGGCTCCACTGAGCTCAACCAGAGCGTCATGAGCAG[CCA>C]GAGCTTCAAATTTATTCGGAGCAGTGACAAAAGGCAAGCCTAAAGAAAAGAAAAATATCC-3'

ClinVar aggregate classification (germline): Pathogenic (1 of 4 stars; one submission).

Submission:

GeneDx
Classification: Pathogenic. Last evaluated: 2016-10-07. Review status: criteria provided, single submitter. Criteria: GeneDx Variant Classification (06012015). Collection method: clinical testing. Allele origin: germline. Affected: yes.
Comment: The c.944_945delTG variant in the FH gene has not been reported previously as a pathogenic variant, nor as a benign variant, to our knowledge. This deletion causes a frameshift starting with codon Leucine 315, changes this amino acid to a Arginine residue and creates a premature Stop codon at position 4 of the new reading frame, denoted p.Leu315ArgfsX4. This variant is predicted to cause loss of normal protein function either through protein truncation or nonsense-mediated mRNA decay. Based on currently available evidence, we consider c.944_945delTG to be pathogenic.